The following is an entry in ClinVar:

NM_001367721.1(CASK):c.2236+6T>G

Gene: CASK (calcium/calmodulin dependent serine protein kinase; minus strand). Cytogenetic location: Xp11.4.
Variant type: single nucleotide variant.
Coding change: c.2236+6T>G on transcript NM_001367721.1 (MANE Select); 6 bases into the intron after coding-DNA position 2236, T replaced by G.
Molecular consequence: intron variant.
Genome position (GRCh38, 1-based): chrX:41,534,887, A>C on the plus strand (T>G on the coding strand, the complement: CASK is on the minus strand). VCF-style: chrX-41534887-A-C. GRCh37 (hg19) VCF-style: chrX-41394140-A-C.
Other names: c.2149+6T>G (NM_001126055.3); c.2218+6T>G (NM_001410745.1); c.2152+6T>G (NM_001126054.3); c.2221+6T>G (NM_003688.4).
Identifiers: ClinVar variation 2798048 (VCV002798048.3), dbSNP rs2064854484, ClinGen allele CA1132571806.

ClinVar aggregate classification (germline): Uncertain significance (1 of 4 stars; one submission).

Conditions:
Intellectual disability, CASK-related, X-linked. Identifiers: MedGen CN043158.

Allele frequency attached by ClinVar (database versions not stated): TOPMed below 0.00001; gnomAD 0.00001.

Submission:

Labcorp Genetics (formerly Invitae), Labcorp
Classification: Uncertain significance for Intellectual disability, CASK-related, X-linked. Last evaluated: 2024-04-17. Review status: criteria provided, single submitter. Criteria: Invitae Variant Classification Sherloc (09022015). Collection method: clinical testing. Allele origin: germline.
Comment: This sequence change falls in intron 23 of the CASK gene. It does not directly change the encoded amino acid sequence of the CASK protein. It affects a nucleotide within the consensus splice site. This variant is not present in population databases (gnomAD no frequency). This variant has not been reported in the literature in individuals affected with CASK-related conditions. Variants that disrupt the consensus splice site are a relatively common cause of aberrant splicing (PMID: 17576681, 9536098). Algorithms developed to predict the effect of sequence changes on RNA splicing suggest that this variant is not likely to affect RNA splicing. In summary, the available evidence is currently insufficient to determine the role of this variant in disease. Therefore, it has been classified as a Variant of Uncertain Significance.

Literature cited by the submitters: PubMed 17576681; PubMed 9536098.